The following is an entry in ClinVar:

ClinVar aggregate classification (germline): Likely pathogenic (1 of 4 stars; one submission).

Conditions:
Cardiac anomalies - developmental delay - facial dysmorphism syndrome (MRFACD). Also called: Impaired intellectual development and distinctive facial features with or without cardiac defects; MED13L Syndrome. Identifiers: Orphanet 369891, MedGen C5192431, MONDO:0014773, OMIM 616789.

Allele frequency attached by ClinVar (database versions not stated): gnomAD exomes below 0.00001.
gnomAD v4.1: 1 of 1,608,898 alleles (0.000062%); highest among the groups gnomAD compares: Non-Finnish European, 0.000085%; no homozygotes.

Submission:

3billion
Classification: Likely pathogenic for Cardiac anomalies - developmental delay - facial dysmorphism syndrome. Last evaluated: 2021-10-02. Review status: criteria provided, single submitter. Criteria: ACMG Guidelines, 2015. Collection method: clinical testing. Allele origin: germline. Affected: yes. Observed: 1 heterozygote.
Comment: It is not observed in the gnomAD v2.1.1 dataset (PM2). The variant was observed as assumed (i.e. paternity and maternity not confirmed) de novoo (3billion dataset, PM6). In silico tools predict the variant to alter splicing and produce an abnormal transcript (ADA 0.99, RF 0.94 , PP3). Patient's phenotype is considered compatible with Mental retardation and distinctive facial features with or without cardiac defects(3billion dataset, PP4). Therefore, this variant is classified as likely pathogenic according to the recommendation of ACMG/AMP guideline

NM_015335.5(MED13L):c.2239-11T>G

Gene: MED13L (mediator complex subunit 13L; minus strand). Cytogenetic location: 12q24.21.
Variant type: single nucleotide variant.
Coding change: c.2239-11T>G on transcript NM_015335.5 (MANE Select); 11 bases into the intron before coding-DNA position 2239, T replaced by G.
Molecular consequence: intron variant.
Genome position (GRCh38, 1-based): chr12:116,006,422, A>C on the plus strand (T>G on the coding strand, the complement: MED13L is on the minus strand). VCF-style: chr12-116006422-A-C. GRCh37 (hg19) VCF-style: chr12-116444227-A-C.
Identifiers: ClinVar variation 1320063 (VCV001320063.1), dbSNP rs2137373566, ClinGen allele CA2573053607.
Genomic context (GRCh38, chr12:116,006,422, plus strand): 5'-GTGGAATGACCTGGTGTAGTGACATCCTTGGTACCAAATCCATCCTCTGACTGTATAATA[A>C]ATTCAGCCAAACAAAACACATGAACACCAACCCAAAGTGTGAAATATGAGGGAGAACACA-3'